The following is an entry in ClinVar:

ClinVar aggregate classification (germline): Pathogenic (1 of 4 stars; one submission).

Conditions:
Severe myoclonic epilepsy in infancy (DRVT). Also called: Epileptic encephalopathy, early infantile, 6 (Dravet syndrome); SEVERE MYOCLONIC EPILEPSY OF INFANCY; DEVELOPMENTAL AND EPILEPTIC ENCEPHALOPATHY 6A; Severe Myoclonic Epilepsy in Infancy (SMEI); Dravet syndrome. Identifiers: Orphanet 33069, MedGen C0751122, MONDO:0100135, OMIM 607208.

Submission:

Center for Bioinformatics, Peking University
Classification: Pathogenic for Dravet syndrome. Last evaluated: 2014-12-20. Review status: criteria provided, single submitter. Criteria: Xu et al. (Hum Mutat. 2015). Collection method: research. Allele origin: de novo. Affected: yes. Observed: 1 variant allele. Study: University Clinical Cooperation “985 Project” PKU-2014-1-1.
Comment: Dravet syndrome (DS) probands were recruited from the outpatient and inpatient child neurology units of Peking University First Hospital from 2005 till present. The study was approved by the Ethics Committee of Peking University First Hospital and the Institutional Review Board at Peking University. Participants or their parents provided written informed consent before enrollment. We collected a total of 267 mutations from 255 families with probands diagnosed with DS in China. All probands fulfilled the clinical diagnostic criteria.

NM_001165963.4(SCN1A):c.3487del (p.Pro1162_Val1163insTer)

Genes: SCN1A (sodium voltage-gated channel alpha subunit 1; minus strand), LOC102724058 (uncharacterized LOC102724058; plus strand). Cytogenetic location: 2q24.3.
Variant type: Deletion.
Coding change: c.3487del on transcript NM_001165963.4 (MANE Select); coding-DNA position 3487, one base deleted (G; older notation c.3487delG).
Protein change: p.Pro1162_Val1163insTer.
Molecular consequence: nonsense. On other transcripts: non-coding transcript variant (2).
Genome position (GRCh38, 1-based): chr2:166,015,670, C deleted on the plus strand (G on the coding strand, the reverse complement: SCN1A is on the minus strand). VCF-style (leftmost placement, unchanged base first): chr2-166015669-AC-A. GRCh37 (hg19) VCF-style: chr2-166872179-AC-A.
Other names: c.3403del, p.Pro1134_Val1135insTer (NM_001165964.3, NM_001353957.2, NM_001353958.2); c.3487del, p.Pro1162_Val1163insTer (NM_001202435.3, NM_001353948.2); c.3454del, p.Pro1151_Val1152insTer (NM_001353949.2, NM_001353950.2, NM_001353951.2 and 2 more transcripts); c.3451del, p.Pro1150_Val1151insTer (NM_001353954.2, NM_001353955.2); c.3400del, p.Pro1133_Val1134insTer (NM_001353960.2); c.1045del, p.Pro348_Val349insTer (NM_001353961.2).
Identifiers: ClinVar variation 189937 (VCV000189937.1), dbSNP rs794726774, ClinGen allele CA303356.